The following is an entry in ClinVar:

ClinVar aggregate classification (germline): Uncertain significance (1 of 4 stars; one submission).

Allele frequency attached by ClinVar (database versions not stated): gnomAD 0.00001; TOPMed 0.00001.
gnomAD v4.1: 16 of 1,613,920 alleles (0.00099%); highest among the groups gnomAD compares: Non-Finnish European, 0.0014%; no homozygotes.

Submission:

Labcorp Genetics (formerly Invitae), Labcorp
Classification: Uncertain significance. Last evaluated: 2023-12-17. Review status: criteria provided, single submitter. Criteria: Invitae Variant Classification Sherloc (09022015). Collection method: clinical testing. Allele origin: germline.
Comment: This sequence change replaces proline, which is neutral and non-polar, with alanine, which is neutral and non-polar, at codon 107 of the COL9A2 protein (p.Pro107Ala). This variant is not present in population databases (gnomAD no frequency). This variant has not been reported in the literature in individuals affected with COL9A2-related conditions. Advanced modeling of protein sequence and biophysical properties (such as structural, functional, and spatial information, amino acid conservation, physicochemical variation, residue mobility, and thermodynamic stability) performed at Invitae indicates that this missense variant is not expected to disrupt COL9A2 protein function with a negative predictive value of 95%. In summary, the available evidence is currently insufficient to determine the role of this variant in disease. Therefore, it has been classified as a Variant of Uncertain Significance.

NM_001852.4(COL9A2):c.319C>G (p.Pro107Ala)

Gene: COL9A2 (collagen type IX alpha 2 chain; minus strand). Cytogenetic location: 1p34.2.
Variant type: single nucleotide variant.
Coding change: c.319C>G on transcript NM_001852.4 (MANE Select); coding-DNA position 319, C replaced by G.
Protein change: p.Pro107Ala; replaces proline 107 with alanine.
Molecular consequence: missense variant.
Genome position (GRCh38, 1-based): chr1:40,312,594, G>C on the plus strand (C>G on the coding strand, the complement: COL9A2 is on the minus strand). VCF-style: chr1-40312594-G-C. GRCh37 (hg19) VCF-style: chr1-40778266-G-C.
Other names: short protein forms P107A.
Identifiers: ClinVar variation 2973117 (VCV002973117.3), dbSNP rs1181100589, ClinGen allele CA339857204.
Genomic context (GRCh38, chr1:40,312,594, plus strand): 5'-CCCCCAAGAGTCCCTCGAAGCCCTTGCAGGTTGTACTCACCGGAAGGCCAGGAGGACCAG[G>C]AAGCCCGGGCTGGCCCTGCAGAAGCAACGAGAAAGGCTCAGAGGCTGGGGTTTCCCCGGC-3'
Protein context (NP_001843.1, residues 97-117): IPGVKGQPGL[Pro107Ala]GPPGLPGPGF